The following is an entry in ClinVar:

NM_017644.3(KLHL24):c.715C>T (p.Arg239Cys)

Gene: KLHL24 (kelch like family member 24; plus strand). Cytogenetic location: 3q27.1.
Variant type: single nucleotide variant.
Coding change: c.715C>T on transcript NM_017644.3 (MANE Select); coding-DNA position 715, C replaced by T.
Protein change: p.Arg239Cys; replaces arginine 239 with cysteine.
Molecular consequence: missense variant. On other transcripts: 5 prime UTR variant (2), non-coding transcript variant (2).
Genome position (GRCh38, 1-based): chr3:183,651,071, C>T. VCF-style: chr3-183651071-C-T. GRCh37 (hg19) VCF-style: chr3-183368859-C-T.
Other names: c.715C>T, p.Arg239Cys (NM_001349421.1, NM_001349422.1, NM_001349423.1 and 11 more transcripts); c.-252C>T (NM_001349428.1, NM_001349429.1); short protein forms R239C.
Identifiers: ClinVar variation 3377482 (VCV003377482.2).

ClinVar aggregate classification (germline): Uncertain significance. Review status: criteria provided, multiple submitters, no conflicts (2 of 4 stars). 2 submissions from 2 submitters: Uncertain significance (2). Last evaluated 2026-07-30.

Conditions:
KLHL24-related disorder. Also called: KLHL24-related condition.
Hypertrophic cardiomyopathy. Also called: HYPERTROPHIC MYOCARDIOPATHY. Identifiers: Orphanet 217569, MedGen C0007194, MeSH D002312, MONDO:0005045, HP:0001639.

Submissions (2):

PreventionGenetics, part of Exact Sciences
Classification: Uncertain significance for KLHL24-related condition. Last evaluated: 2026-07-30. Review status: criteria provided, single submitter. Criteria: ACMG Guidelines, 2015. Collection method: clinical testing. Allele origin: germline.
Comment: The KLHL24 c.715C>T variant is predicted to result in the amino acid substitution p.Arg239Cys. This variant was reported in an autism spectrum disorders cohort (Supplementary Data 1 in Zhou et al. 2022. PubMed ID: 35982159). This variant is reported in 0.024% of alleles in individuals of European (Non-Finnish) descent in gnomAD. At this time, the clinical significance of this variant is uncertain due to the absence of conclusive functional and genetic evidence.

Victorian Clinical Genetics Services, Murdoch Childrens Research Institute
Classification: Uncertain significance for Hypertrophic cardiomyopathy. Last evaluated: 2022-06-24. Review status: criteria provided, single submitter. Criteria: ACMG Guidelines, 2015. Collection method: clinical testing. Allele origin: germline. Inheritance: Autosomal recessive inheritance. Affected: yes.
Comment: Based on the classification scheme VCGS_Germline_v1.3.4, this variant is classified as VUS-3C. Following criteria are met: 0103 - Loss of function and gain of function are known mechanisms of disease in this gene and are associated with hypertrophic cardiomyopathy,KLHL24-related (MONDO#0005045, PMID: 30715372), and generalised epidermolysis bullosa simplex with scarring and hair loss (MIM#617294), respectively. Biallelic loss of function variants are suggested to result in the cardiac condition while monoallelic start-loss variants causing reduced protein degradation have been reported in individuals with the epidermolysis bullosa phenotype (PMIDs: 27889062, 30715372). (I) 0108 - This gene is associated with both recessive and dominant disease (PMIDs: 27889062, 30715372). (I) 0200 - Variant is predicted to result in a missense amino acid change from arginine to cysteine. (I) 0251 - This variant is heterozygous. (I) 0304 - Variant is present in gnomAD <0.01 for a recessive condition (v2: 37 heterozygotes, 0 homozygotes). (SP) 0309 - An alternative amino acid change at the same position has been observed in gnomAD (v2: 8 heterozygotes, 0 homozygotes). (I) 0503 - Missense variant consistently predicted to be tolerated by multiple in silico tools or not conserved in placental mammals with a minor amino acid change. (SB) 0604 - Variant is not located in an established domain, motif, hotspot or informative constraint region. (I) 0705 - No comparable missense variants have previous evidence for pathogenicity. (I) 0807 - This variant has no previous evidence of pathogenicity. (I) 0905 - No published segregation evidence has been identified for this variant. (I) 1007 - No published functional evidence has been identified for this variant. (I) 1208 - Inheritance information for this variant is not currently available in this individual. (I) Legend: (SP) - Supporting pathogenic, (I) - Information, (SB) - Supporting benign

Literature cited by the submitters: PubMed 27889062 (cited by Victorian Clinical Genetics Services, Murdoch Childrens Research Institute); PubMed 30715372 (cited by Victorian Clinical Genetics Services, Murdoch Childrens Research Institute).